The following is an entry in ClinVar:

NM_004431.5(EPHA2):c.824-11G>A

Gene: EPHA2 (EPH receptor A2; minus strand). Cytogenetic location: 1p36.13.
Variant type: single nucleotide variant.
Coding change: c.824-11G>A on transcript NM_004431.5 (MANE Select); 11 bases into the intron before coding-DNA position 824, G replaced by A.
Molecular consequence: intron variant.
Genome position (GRCh38, 1-based): chr1:16,138,441, C>T on the plus strand (G>A on the coding strand, the complement: EPHA2 is on the minus strand). VCF-style: chr1-16138441-C-T. GRCh37 (hg19) VCF-style: chr1-16464936-C-T.
Other names: c.662-11G>A (NM_001329090.2).
Identifiers: ClinVar variation 259396 (VCV000259396.17), dbSNP rs2291804, ClinGen allele CA625402.

ClinVar aggregate classification (germline): Benign. Review status: criteria provided, multiple submitters, no conflicts (2 of 4 stars). 5 submissions from 5 submitters: Benign (5). Last evaluated 2026-01-07.

Conditions:
Cataract 6 multiple types. Also called: CATARACT, AGE-RELATED CORTICAL, 2; CATARACT 6, POSTERIOR POLAR; CATARACT 6, CONGENITAL TOTAL. Identifiers: Orphanet 91492, MedGen C1861825, MONDO:0007288, OMIM 116600.

Allele frequency attached by ClinVar (database versions not stated): TOPMed 0.01534; ESP Exome Variant Server 0.01576; gnomAD 0.01705 and 0.01852; gnomAD exomes 0.02345 and 0.02524; 1000 Genomes Project 30x 0.02498; 1000 Genomes Project 0.02656; ExAC 0.02661.
gnomAD v4.1: 37,075 of 1,613,248 alleles (2.3%); highest among the groups gnomAD compares: South Asian, 4.6%; 524 homozygotes.

Submissions (5):

Labcorp Genetics (formerly Invitae), Labcorp
Classification: Benign for Cataract 6 multiple types. Last evaluated: 2026-01-07. Review status: criteria provided, single submitter. Criteria: Invitae Variant Classification Sherloc (09022015). Collection method: clinical testing. Allele origin: germline.

GeneDx
Classification: Benign. Last evaluated: 2021-05-11. Review status: criteria provided, single submitter. Criteria: GeneDx Variant Classification Process June 2021. Collection method: clinical testing. Allele origin: germline. Affected: yes.
Comment: This variant is associated with the following publications: (PMID: 28881807)

Illumina Laboratory Services, Illumina
Classification: Benign for Cataract 6 multiple types. Last evaluated: 2018-01-13. Review status: criteria provided, single submitter. Criteria: ICSL Variant Classification Criteria 13 December 2019. Collection method: clinical testing. Allele origin: germline.
Comment: This variant was observed in the ICSL laboratory as part of a predisposition screen in an ostensibly healthy population. It had not been previously curated by ICSL or reported in the Human Gene Mutation Database (HGMD: prior to June 1st, 2018), and was therefore a candidate for classification through an automated scoring system. Utilizing variant allele frequency, disease prevalence and penetrance estimates, and inheritance mode, an automated score was calculated to assess if this variant is too frequent to cause the disease. Based on the score and internal cut-off values, a variant classified as benign is not then subjected to further curation. The score for this variant resulted in a classification of benign for this disease.

Breakthrough Genomics
Classification: Benign. Review status: criteria provided, single submitter. Criteria: ACMG Guidelines, 2015. Collection method: not provided. Allele origin: germline. Inheritance: Autosomal dominant inheritance. Affected: yes.

PreventionGenetics, part of Exact Sciences
Classification: Benign. Review status: criteria provided, single submitter. Criteria: ACMG Guidelines, 2015. Collection method: clinical testing. Allele origin: germline.